The following is an entry in ClinVar:

NM_017563.5(IL17RD):c.341T>C (p.Ile114Thr)

Gene: IL17RD (interleukin 17 receptor D; minus strand). Cytogenetic location: 3p14.3.
Variant type: single nucleotide variant.
Coding change: c.341T>C on transcript NM_017563.5 (MANE Select); coding-DNA position 341, T replaced by C.
Protein change: p.Ile114Thr; replaces isoleucine 114 with threonine.
Molecular consequence: missense variant. On other transcripts: 5 prime UTR variant (1).
Genome position (GRCh38, 1-based): chr3:57,110,281, A>G on the plus strand (T>C on the coding strand, the complement: IL17RD is on the minus strand). VCF-style: chr3-57110281-A-G. GRCh37 (hg19) VCF-style: chr3-57144309-A-G.
Other names: c.-92T>C (NM_001318864.2); short protein forms I114T.
Identifiers: ClinVar variation 4766057 (VCV004766057.1).
Genomic context (GRCh38, chr3:57,110,281, plus strand): 5'-TTCGGATCCTTTAGAATCAGTTGTTGGCACTGTCTTCCCTCCGACTTCAGCTCCTCCAGT[A>G]TTACCCGAAATCCTTTCAGGAATTCGATGCCTAAGCAAAGCAGAATGCTTTTATTAATAG-3'
Protein context (NP_060033.3, residues 104-124): GIEFLKGFRV[Ile114Thr]LEELKSEGRQ

ClinVar aggregate classification (germline): Uncertain significance (1 of 4 stars; one submission).

gnomAD v4.1: 17 of 1,607,500 alleles (0.0011%); highest among the groups gnomAD compares: Non-Finnish European, 0.0013%; no homozygotes.

Submission:

Labcorp Genetics (formerly Invitae), Labcorp
Classification: Uncertain significance. Last evaluated: 2025-02-19. Review status: criteria provided, single submitter. Criteria: Invitae Variant Classification Sherloc (09022015). Collection method: clinical testing. Allele origin: germline.
Comment: This sequence change replaces isoleucine, which is neutral and non-polar, with threonine, which is neutral and polar, at codon 114 of the IL17RD protein (p.Ile114Thr). The frequency data for this variant in the population databases is considered unreliable, as metrics indicate poor data quality at this position in the gnomAD database. This variant has not been reported in the literature in individuals affected with IL17RD-related conditions. Invitae Evidence Modeling of protein sequence and biophysical properties (such as structural, functional, and spatial information, amino acid conservation, physicochemical variation, residue mobility, and thermodynamic stability) indicates that this missense variant is not expected to disrupt IL17RD protein function with a negative predictive value of 80%. In summary, the available evidence is currently insufficient to determine the role of this variant in disease. Therefore, it has been classified as a Variant of Uncertain Significance.